The following is an entry in ClinVar:

NM_001282597.3(CTNNA2):c.2110T>G (p.Trp704Gly)

Gene: CTNNA2 (catenin alpha 2; plus strand). Cytogenetic location: 2p12.
Variant type: single nucleotide variant.
Coding change: c.2110T>G on transcript NM_001282597.3 (MANE Select); coding-DNA position 2110, T replaced by G.
Protein change: p.Trp704Gly; replaces tryptophan 704 with glycine.
Molecular consequence: missense variant.
Genome position (GRCh38, 1-based): chr2:80,589,406, T>G. VCF-style: chr2-80589406-T-G. GRCh37 (hg19) VCF-style: chr2-80816531-T-G.
Other names: c.2110T>G, p.Trp704Gly (NM_001164883.2, NM_004389.4); c.2212T>G, p.Trp738Gly (NM_001282598.2); c.1147T>G, p.Trp383Gly (NM_001282599.2); c.1006T>G, p.Trp336Gly (NM_001282600.2, NM_001320810.2); short protein forms W336G, W383G, W704G, W738G.
Identifiers: ClinVar variation 1307507 (VCV001307507.2), dbSNP rs2149736068, ClinGen allele CA347513981.

ClinVar aggregate classification (germline): Uncertain significance (1 of 4 stars; one submission).

Submission:

GeneDx
Classification: Uncertain significance. Last evaluated: 2019-08-01. Review status: criteria provided, single submitter. Criteria: GeneDx Variant Classification Process June 2021. Collection method: clinical testing. Allele origin: germline. Affected: yes.
Comment: Has not been previously published as pathogenic or benign to our knowledge; Not observed in large population cohorts (Lek et al., 2016); In silico analysis, which includes protein predictors and evolutionary conservation, supports a deleterious effect; Variants in candidate genes are classified as variants of uncertain significance in accordance with ACMG guidelines (Richards et al., 2015)